The following is an entry in ClinVar:

ClinVar aggregate classification (germline): Likely benign. Review status: criteria provided, multiple submitters, no conflicts (2 of 4 stars). 2 submissions from 2 submitters: Likely benign (2). Last evaluated 2026-05-13.

Conditions:
PRX-related disorder. Also called: PRX-related condition; PRX-Related Disorders.
Charcot-Marie-Tooth disease type 4. Also called: Charcot-Marie-Tooth disease, type IV; Charcot-Marie-Tooth, Type 4. Identifiers: Orphanet 64749, MedGen C4082197, MONDO:0018995.

Allele frequency attached by ClinVar (database versions not stated): gnomAD 0.00005; TOPMed 0.00006; ExAC 0.00009.

Submissions (2):

PreventionGenetics, part of Exact Sciences
Classification: Likely benign for PRX-related condition. Last evaluated: 2026-05-13. Review status: criteria provided, single submitter. Criteria: ACMG Guidelines, 2015. Collection method: clinical testing. Allele origin: germline.
Comment: This variant is classified as likely benign based on ACMG/AMP sequence variant interpretation guidelines (Richards et al. 2015 PMID: 25741868, with internal and published modifications).

Labcorp Genetics (formerly Invitae), Labcorp
Classification: Likely benign for Charcot-Marie-Tooth disease type 4. Last evaluated: 2025-05-04. Review status: criteria provided, single submitter. Criteria: Invitae Variant Classification Sherloc (09022015). Collection method: clinical testing. Allele origin: germline.

NM_181882.3(PRX):c.870C>A (p.Ile290=)

Gene: PRX (periaxin; minus strand). Cytogenetic location: 19q13.2.
Variant type: single nucleotide variant.
Coding change: c.870C>A on transcript NM_181882.3 (MANE Select); coding-DNA position 870, C replaced by A.
Protein change: p.Ile290=; no amino-acid change (isoleucine 290 retained).
Molecular consequence: synonymous variant. On other transcripts: 3 prime UTR variant (1).
Genome position (GRCh38, 1-based): chr19:40,397,482, G>T on the plus strand (C>A on the coding strand, the complement: PRX is on the minus strand). VCF-style: chr19-40397482-G-T. GRCh37 (hg19) VCF-style: chr19-40903389-G-T.
Other names: c.*1075C>A (NM_020956.2).
Identifiers: ClinVar variation 695436 (VCV000695436.10), dbSNP rs758097995, ClinGen allele CA9444364.